The following is an entry in ClinVar:

ClinVar aggregate classification (germline): Uncertain significance (1 of 4 stars; one submission).

Allele frequency attached by ClinVar (database versions not stated): TOPMed 0.00003; ExAC 0.00002; gnomAD 0.00002; gnomAD exomes 0.00002.
gnomAD v4.1: 27 of 1,606,372 alleles (0.0017%); highest among the groups gnomAD compares: Admixed American, 0.012%; no homozygotes.

Submission:

Labcorp Genetics (formerly Invitae), Labcorp
Classification: Uncertain significance. Last evaluated: 2025-06-01. Review status: criteria provided, single submitter. Criteria: Invitae Variant Classification Sherloc (09022015). Collection method: clinical testing. Allele origin: germline.
Comment: This sequence change falls in intron 26 of the TOP2B gene. It does not directly change the encoded amino acid sequence of the TOP2B protein. It affects a nucleotide within the consensus splice site. This variant is present in population databases (rs770879861, gnomAD 0.02%). This variant has not been reported in the literature in individuals affected with TOP2B-related conditions. ClinVar contains an entry for this variant (Variation ID: 2175040). Variants that disrupt the consensus splice site are a relatively common cause of aberrant splicing (PMID: 17576681, 9536098). Algorithms developed to predict the effect of sequence changes on RNA splicing suggest that this variant is not likely to affect RNA splicing. In summary, the available evidence is currently insufficient to determine the role of this variant in disease. Therefore, it has been classified as a Variant of Uncertain Significance.

Literature cited by the submitters: PubMed 17576681; PubMed 9536098.

NM_001330700.2(TOP2B):c.3508-3T>C

Gene: TOP2B (DNA topoisomerase II beta; minus strand). Cytogenetic location: 3p24.2.
Variant type: single nucleotide variant.
Coding change: c.3508-3T>C on transcript NM_001330700.2 (MANE Select); 3 bases into the intron before coding-DNA position 3508, T replaced by C.
Molecular consequence: intron variant.
Genome position (GRCh38, 1-based): chr3:25,615,291, A>G on the plus strand (T>C on the coding strand, the complement: TOP2B is on the minus strand). VCF-style: chr3-25615291-A-G. GRCh37 (hg19) VCF-style: chr3-25656782-A-G.
Other names: c.3493-3T>C (NM_001068.3).
Identifiers: ClinVar variation 2175040 (VCV002175040.4), dbSNP rs770879861, ClinGen allele CA2288294.